The following is an entry in ClinVar:

ClinVar aggregate classification (germline): Uncertain significance (1 of 4 stars; one submission).

Conditions:
Combined oxidative phosphorylation defect type 14. Also called: Combined oxidative phosphorylation deficiency 14. Identifiers: Orphanet 319519, MedGen C4755312, MONDO:0013986, OMIM 614946.

Submission:

Labcorp Genetics (formerly Invitae), Labcorp
Classification: Uncertain significance for Combined oxidative phosphorylation defect type 14. Last evaluated: 2025-07-13. Review status: criteria provided, single submitter. Criteria: Invitae Variant Classification Sherloc (09022015). Collection method: clinical testing. Allele origin: germline.
Comment: This sequence change replaces methionine, which is neutral and non-polar, with threonine, which is neutral and polar, at codon 233 of the FARS2 protein (p.Met233Thr). This variant is not present in population databases (gnomAD no frequency). This variant has not been reported in the literature in individuals affected with FARS2-related conditions. ClinVar contains an entry for this variant (Variation ID: 1485467). Invitae Evidence Modeling of protein sequence and biophysical properties (such as structural, functional, and spatial information, amino acid conservation, physicochemical variation, residue mobility, and thermodynamic stability) indicates that this missense variant is not expected to disrupt FARS2 protein function with a negative predictive value of 80%. In summary, the available evidence is currently insufficient to determine the role of this variant in disease. Therefore, it has been classified as a Variant of Uncertain Significance.

NM_006567.5(FARS2):c.698T>C (p.Met233Thr)

Gene: FARS2 (phenylalanyl-tRNA synthetase 2, mitochondrial; plus strand). Cytogenetic location: 6p25.1.
Variant type: single nucleotide variant.
Coding change: c.698T>C on transcript NM_006567.5 (MANE Select); coding-DNA position 698, T replaced by C.
Protein change: p.Met233Thr; replaces methionine 233 with threonine.
Molecular consequence: missense variant. On other transcripts: initiator codon variant (2).
Genome position (GRCh38, 1-based): chr6:5,404,627, T>C. VCF-style: chr6-5404627-T-C. GRCh37 (hg19) VCF-style: chr6-5404860-T-C.
Other names: c.698T>C, p.Met233Thr (NM_001318872.2, NM_001374875.1, NM_001374876.1 and 5 more transcripts); c.2T>C, p.Met1Thr (NM_001375259.1, NM_001375260.1); short protein forms M1T, M233T.
Identifiers: ClinVar variation 1485467 (VCV001485467.7), dbSNP rs2127718699, ClinGen allele CA362735861.